The following is an entry in ClinVar:

ClinVar aggregate classification (germline): Uncertain significance. Review status: criteria provided, multiple submitters, no conflicts (2 of 4 stars). 6 submissions from 6 submitters: Uncertain significance (6). Last evaluated 2025-05-01.

Conditions:
Emery-Dreifuss muscular dystrophy 4, autosomal dominant (EDMD4). Also called: EMERY-DREIFUSS MUSCULAR DYSTROPHY 4 WITH VARIABLE FEATURES. Identifiers: Orphanet 261, MedGen C2751807, MONDO:0013071, OMIM 612998.
Autosomal recessive ataxia, Beauce type. Also called: SYNE1 Deficiency; Spinocerebellar ataxia, autosomal recessive 8; ATAXIA, RECESSIVE, OF BEAUCE; SYNE1-Related Autosomal Recessive Cerebellar Ataxia. Identifiers: Orphanet 88644, MedGen C1853116, MONDO:0012549, OMIM 610743.

Allele frequency attached by ClinVar (database versions not stated): gnomAD exomes 0.00003; ExAC 0.00004; TOPMed 0.00006; gnomAD 0.00009.
gnomAD v4.1: 62 of 1,613,840 alleles (0.0038%); highest among the groups gnomAD compares: African/African-American, 0.011%; no homozygotes.

Submissions (6):

CeGaT Center for Human Genetics Tuebingen
Classification: Uncertain significance. Last evaluated: 2025-05-01. Review status: criteria provided, single submitter. Criteria: CeGaT Center For Human Genetics Tuebingen Variant Classification Criteria Version 2. Collection method: clinical testing. Allele origin: germline. Affected: yes. Observed: 1 variant allele.
Comment: SYNE1: PM2

Labcorp Genetics (formerly Invitae), Labcorp
Classification: Uncertain significance for Emery-Dreifuss muscular dystrophy 4, autosomal dominant; Autosomal recessive ataxia, Beauce type. Last evaluated: 2022-10-05. Review status: criteria provided, single submitter. Criteria: Invitae Variant Classification Sherloc (09022015). Collection method: clinical testing. Allele origin: germline.
Comment: This sequence change replaces threonine, which is neutral and polar, with methionine, which is neutral and non-polar, at codon 5906 of the SYNE1 protein (p.Thr5906Met). This variant is present in population databases (rs767144952, gnomAD 0.02%). This variant has not been reported in the literature in individuals affected with SYNE1-related conditions. ClinVar contains an entry for this variant (Variation ID: 448565). Algorithms developed to predict the effect of missense changes on protein structure and function are either unavailable or do not agree on the potential impact of this missense change (SIFT: "Deleterious"; PolyPhen-2: "Probably Damaging"; Align-GVGD: "Class C15"). In summary, the available evidence is currently insufficient to determine the role of this variant in disease. Therefore, it has been classified as a Variant of Uncertain Significance.

Blueprint Genetics
Classification: Uncertain significance. Last evaluated: 2022-01-05. Review status: criteria provided, single submitter. Criteria: ACMG Guidelines, 2015. Collection method: clinical testing. Allele origin: germline.

Revvity Omics, Revvity
Classification: Uncertain significance. Last evaluated: 2020-08-13. Review status: criteria provided, single submitter. Criteria: ACMG Guidelines, 2015. Collection method: clinical testing. Allele origin: germline.

Eurofins Ntd Llc (ga)
Classification: Uncertain significance. Last evaluated: 2017-09-26. Review status: criteria provided, single submitter. Criteria: EGL Classification Definitions 2015. Collection method: clinical testing. Allele origin: germline. Observed: 1 variant allele, 1 heterozygote.

Athena Diagnostics
Classification: Uncertain significance. Last evaluated: 2016-10-25. Review status: criteria provided, single submitter. Criteria: Athena Diagnostics Criteria. Collection method: clinical testing. Allele origin: germline.

NM_182961.4(SYNE1):c.17930C>T (p.Thr5977Met)

Gene: SYNE1 (spectrin repeat containing nuclear envelope protein 1; minus strand). Cytogenetic location: 6q25.2.
Variant type: single nucleotide variant.
Coding change: c.17930C>T on transcript NM_182961.4 (MANE Select); coding-DNA position 17930, C replaced by T.
Protein change: p.Thr5977Met; replaces threonine 5977 with methionine.
Molecular consequence: missense variant.
Genome position (GRCh38, 1-based): chr6:152,293,670, G>A on the plus strand (C>T on the coding strand, the complement: SYNE1 is on the minus strand). VCF-style: chr6-152293670-G-A. GRCh37 (hg19) VCF-style: chr6-152614805-G-A.
Other names: c.17717C>T (NM_033071.3); c.17717C>T, p.Thr5906Met (NM_033071.5); short protein forms T5906M, T5977M.
Identifiers: ClinVar variation 448565 (VCV000448565.20), dbSNP rs767144952, ClinGen allele CA4055093.